The following is an entry in ClinVar:

NM_144672.4(OTOA):c.1806+3dup

Gene: OTOA (otoancorin). Cytogenetic location: 16p12.2.
Variant type: Duplication.
Coding change: c.1806+3dup on transcript NM_144672.4 (MANE Select); 3 bases into the intron after coding-DNA position 1806, one base duplicated.
Molecular consequence: intron variant.
Genome position: GRCh38 VCF-style: chr16-21719506-T-TA. GRCh37 (hg19) VCF-style: chr16-21730827-T-TA.
Other names: c.1569+3dup (NM_001161683.2); c.834+3dup (NM_170664.3).
Identifiers: ClinVar variation 1188084 (VCV001188084.3), dbSNP rs761035750, ClinGen allele CA7952766.

ClinVar aggregate classification (germline): Likely benign (1 of 4 stars; one submission).

Allele frequency attached by ClinVar (database versions not stated): gnomAD exomes 0.00002 and 0.00008; ExAC 0.00009; gnomAD 0.00023 and 0.00026; ESP Exome Variant Server 0.00032; TOPMed 0.00032.

Submission:

GeneDx
Classification: Likely benign. Last evaluated: 2023-02-17. Review status: criteria provided, single submitter. Criteria: GeneDx Variant Classification Process June 2021. Collection method: clinical testing. Allele origin: germline. Affected: yes.
Comment: See Variant Classification Assertion Criteria.